The following is an entry in ClinVar:

ClinVar aggregate classification (germline): Uncertain significance (1 of 4 stars; one submission).

Conditions:
Sucrase-isomaltase deficiency (CSID). Also called: Congenital sucrose isomaltose malabsorption; Sucrose isomaltose enzyme deficiency; Deficiency of isomaltase; SI DEFICIENCY. Identifiers: Orphanet 35122, MedGen C1283620, MONDO:0009114, OMIM 222900.

gnomAD v4.1: 11 of 1,611,568 alleles (0.00068%); highest among the groups gnomAD compares: Non-Finnish European, 0.00093%; no homozygotes.

Submission:

University of Washington Department of Laboratory Medicine, University of Washington
Classification: Uncertain significance for Sucrase-isomaltase deficiency. Last evaluated: 2021-04-08. Review status: criteria provided, single submitter. Criteria: ACMG Guidelines, 2015. Collection method: clinical testing. Allele origin: unknown. Affected: yes.
Comment: The p.Arg376Trp variant in the SI gene has not been previously reported in association with disease. This variant has been identified in 3/251,002 chromosomes by the Genome Aggregation Database. Although this variant has been seen in the general population, its frequency is low enough to be consistent with a recessive carrier frequency. In silico tools predict that the p.Arg376Trp variant is deleterious; however, these predictions have not been tested directly. Using ACMG guidelines, this variant was classified as a variant of uncertain significance (ACMG evidence codes used: PM2_supporting, PP3).

NM_001041.4(SI):c.1126C>T (p.Arg376Trp)

Gene: SI (sucrase-isomaltase; minus strand). Cytogenetic location: 3q26.1.
Variant type: single nucleotide variant.
Coding change: c.1126C>T on transcript NM_001041.4 (MANE Select); coding-DNA position 1126, C replaced by T.
Protein change: p.Arg376Trp; replaces arginine 376 with tryptophan.
Molecular consequence: missense variant.
Genome position (GRCh38, 1-based): chr3:165,059,922, G>A on the plus strand (C>T on the coding strand, the complement: SI is on the minus strand). VCF-style: chr3-165059922-G-A. GRCh37 (hg19) VCF-style: chr3-164777710-G-A.
Other names: c.1126C>T (NM_001041.3); short protein forms R376W.
Identifiers: ClinVar variation 3777143 (VCV003777143.1).